The following is an entry in ClinVar:

ClinVar aggregate classification (germline): Likely benign. Review status: criteria provided, single submitter (1 of 4 stars). 2 submissions from 2 submitters: Likely benign (1). 1 of the submissions does not count toward it. Last evaluated 2023-03-23.

Conditions:
Hereditary cancer-predisposing syndrome. Also called: Neoplastic Syndromes, Hereditary; Tumor predisposition; Hereditary Cancer Syndrome; Hereditary neoplastic syndrome. Identifiers: Orphanet 140162, MedGen C0027672, MeSH D009386, MONDO:0015356.
Familial cancer of breast. Also called: BREAST CANCER, FAMILIAL; Hereditary breast cancer; hereditary breast carcinoma. Identifiers: Orphanet 227535, MedGen C0346153, MONDO:0016419, OMIM 114480. Disease mechanism: loss of function.

Submissions (2):

University of Washington Department of Laboratory Medicine, University of Washington
Classification: Likely benign for Hereditary cancer-predisposing syndrome. Last evaluated: 2023-03-23. Review status: criteria provided, single submitter. Criteria: Dines et al. (Genet Med. 2020). Collection method: curation. Allele origin: germline.
Comment: Missense variant in a coldspot region where missense variants are very unlikely to be pathogenic (PMID:31911673).

BRCA2 exon 11 coldspot. Reclassification based on statistical prior probability.

ClinVar Staff, National Center for Biotechnology Information (NCBI)
No classification provided. Condition: Familial cancer of breast. Review status: no classification provided. Collection method: literature only. Allele origin: germline. Affected: yes. Not counted in ClinVar's aggregate classification.

Literature cited by the submitters: PubMed 16324400 (cited by ClinVar Staff, National Center for Biotechnology Information (NCBI)).

NM_000059.4(BRCA2):c.5683G>C (p.Glu1895Gln)

Gene: BRCA2 (BRCA2 DNA repair associated; plus strand). Cytogenetic location: 13q13.1.
Variant type: single nucleotide variant.
Coding change: c.5683G>C on transcript NM_000059.4 (MANE Select); coding-DNA position 5683, G replaced by C.
Protein change: p.Glu1895Gln; replaces glutamic acid 1895 with glutamine.
Molecular consequence: missense variant.
Genome position (GRCh38, 1-based): chr13:32,340,038, G>C. VCF-style: chr13-32340038-G-C. GRCh37 (hg19) VCF-style: chr13-32914175-G-C.
Other names: short protein forms E1895Q.
Identifiers: ClinVar variation 51909 (VCV000051909.4), dbSNP rs146351301, ClinGen allele CA022974.
Genomic context (GRCh38, chr13:32,340,038, plus strand): 5'-AAGGAAAACAACGAGAATAAATCAAAAATTTGCCAAACGAAAATTATGGCAGGTTGTTAC[G>C]AGGCATTGGATGATTCAGAGGATATTCTTCATAACTCTCTAGATAATGATGAATGTAGCA-3'
Protein context (NP_000050.3, residues 1885-1905): CQTKIMAGCY[Glu1895Gln]ALDDSEDILH